The following is an entry in ClinVar:

ClinVar aggregate classification (germline): Pathogenic (1 of 4 stars; one submission).

Conditions:
Autosomal recessive nonsyndromic hearing loss 84A. Also called: DEAFNESS, AUTOSOMAL RECESSIVE 84A; DEAFNESS, AUTOSOMAL RECESSIVE 84A, WITH VESTIBULAR DYSFUNCTION. Identifiers: Orphanet 90636, MedGen C3150654, MONDO:0013249, OMIM 613391.

Submission:

Juno Genomics, Hangzhou Juno Genomics, Inc
Classification: Pathogenic for Autosomal recessive nonsyndromic hearing loss 84A. Review status: criteria provided, single submitter. Criteria: ACMG Guidelines, 2015. Collection method: clinical testing. Allele origin: germline.
Comment: Absent from controls (or at extremely low frequency if recessive) in Genome Aggregation Database.;Null variant in a gene where loss of function (LOF) is a known mechanism of disease.;For recessive disorders, detected in trans with a pathogenic variant.

NM_001145026.2(PTPRQ):c.1069del (p.Leu357fs)

Gene: PTPRQ (protein tyrosine phosphatase receptor type Q; plus strand). Cytogenetic location: 12q21.31.
Variant type: Deletion.
Coding change: c.1069del on transcript NM_001145026.2 (MANE Select); coding-DNA position 1069, one base deleted (C; older notation c.1069delC).
Protein change: p.Leu357fs; shifts the reading frame from leucine 357.
Molecular consequence: frameshift variant.
Genome position (GRCh38, 1-based): chr12:80,472,134, C deleted; the last of 2 consecutive C bases (chr12:80,472,133-80,472,134); deleting either gives the same sequence. VCF-style (leftmost placement, unchanged base first): chr12-80472132-AC-A. GRCh37 (hg19) VCF-style: chr12-80865911-AC-A.
Other names: short protein forms L357fs.
Identifiers: ClinVar variation 5005181 (VCV005005181.2).